The following is an entry in ClinVar:

NM_001267550.2(TTN):c.25235A>G (p.His8412Arg)

Gene: TTN (titin; minus strand). Cytogenetic location: 2q31.2.
Variant type: single nucleotide variant.
Coding change: c.25235A>G on transcript NM_001267550.2 (MANE Select); coding-DNA position 25235, A replaced by G.
Protein change: p.His8412Arg; replaces histidine 8412 with arginine.
Molecular consequence: missense variant. On other transcripts: intron variant (3).
Genome position (GRCh38, 1-based): chr2:178,717,639, T>C on the plus strand (A>G on the coding strand, the complement: TTN is on the minus strand). VCF-style: chr2-178717639-T-C. GRCh37 (hg19) VCF-style: chr2-179582366-T-C.
Other names: p.H8095R:CAT>CGT; c.24284A>G, p.His8095Arg (NM_001256850.1); c.21503A>G, p.His7168Arg (NM_133378.4); c.13282+20443A>G (NM_003319.4); c.13858+20443A>G (NM_133437.4); c.13657+20443A>G (NM_133432.3); short protein forms H8095R, H8412R, H7168R.
Identifiers: ClinVar variation 203335 (VCV000203335.5), dbSNP rs775392484, ClinGen allele CA312073.
Genomic context (GRCh38, chr2:178,717,639, plus strand): 5'-CAATTATACTGCCCTATGTGGCTCTGGTCAGTTTGTAAAATCTGAAGAGTTGCTACATTA[T>C]GAACAAAAGATGTCTGCAAATTAGCATCATCTTTCAAAAGAACCCCATCCTTGTACCAAG-3'
Protein context (NP_001254479.2, residues 8402-8422): DDANLQTSFV[His8412Arg]NVATLQILQT

ClinVar aggregate classification (germline): Conflicting classifications of pathogenicity. Review status: criteria provided, conflicting classifications (1 of 4 stars). 3 submissions from 3 submitters: Uncertain significance (2); Likely benign (1). Last evaluated 2026-06-23.

Conditions:
TTN-related disorder. Also called: TTN-related condition; TTN-related disease; TTN-related disorders.

Allele frequency attached by ClinVar (database versions not stated): gnomAD exomes below 0.00001 and 0.00002; ExAC 0.00002; gnomAD 0.00005 and 0.00006; TOPMed 0.00005.

Submissions (3):

PreventionGenetics, part of Exact Sciences
Classification: Uncertain significance for TTN-related condition. Last evaluated: 2026-06-23. Review status: criteria provided, single submitter. Criteria: ACMG Guidelines, 2015. Collection method: clinical testing. Allele origin: germline.
Comment: The TTN c.25235A>G variant is predicted to result in the amino acid substitution p.His8412Arg. To our knowledge, this variant has not been reported in the literature. This variant is reported in 0.025% of alleles in individuals of African descent in gnomAD. At this time, the clinical significance of this variant is uncertain due to the absence of conclusive functional and genetic evidence.

Women's Health and Genetics/Laboratory Corporation of America, LabCorp
Classification: Uncertain significance. Last evaluated: 2025-05-09. Review status: criteria provided, single submitter. Criteria: LabCorp Variant Classification Summary - May 2015. Collection method: clinical testing. Allele origin: germline.
Comment: Variant summary: TTN c.21503A>G (p.His7168Arg) results in a non-conservative amino acid change located in the I-band region of the encoded protein sequence. Algorithms developed to predict the effect of missense changes on protein structure and function are either unavailable or do not agree on the potential impact of this missense change. The variant allele was found at a frequency of 7.5e-06 in 1606256 control chromosomes in the gnomAD database (v4.1 dataset). This frequency is not significantly higher than estimated for a pathogenic variant in TTN causing Dilated Cardiomyopathy (7.5e-06 vs 0.00039), allowing no conclusion about variant significance. To our knowledge, no occurrence of c.21503A>G in individuals affected with Dilated Cardiomyopathy and no experimental evidence demonstrating its impact on protein function have been reported. ClinVar contains an entry for this variant (Variation ID: 203335). Based on the evidence outlined above, the variant was classified as uncertain significance.

GeneDx
Classification: Likely benign. Last evaluated: 2018-05-23. Review status: criteria provided, single submitter. Criteria: GeneDx Variant Classification Process June 2021. Collection method: clinical testing. Allele origin: germline. Affected: yes.